The following is an entry in ClinVar:

NM_004766.3(COPB2):c.1330G>A (p.Val444Ile)

Gene: COPB2 (coat protein complex I subunit beta 2; minus strand). Cytogenetic location: 3q23.
Variant type: single nucleotide variant.
Coding change: c.1330G>A on transcript NM_004766.3 (MANE Select); coding-DNA position 1330, G replaced by A.
Protein change: p.Val444Ile; replaces valine 444 with isoleucine.
Molecular consequence: missense variant. On other transcripts: non-coding transcript variant (1).
Genome position (GRCh38, 1-based): chr3:139,369,332, C>T on the plus strand (G>A on the coding strand, the complement: COPB2 is on the minus strand). VCF-style: chr3-139369332-C-T. GRCh37 (hg19) VCF-style: chr3-139088174-C-T.
Other names: c.1243G>A, p.Val415Ile (NM_001410834.1); short protein forms V415I, V444I.
Identifiers: ClinVar variation 4681680 (VCV004681680.5).
Genomic context (GRCh38, chr3:139,369,332, plus strand): 5'-GAATTTCAATTCTTCGTATGAGTTCTGTATTGTCCCAGTCATAGAAGGCTAAGCCATTTA[C>T]AGATCTGACTCCCAATAAGAAGCCGCCGTAGATACCTAAAGGGAACATAAAAAGAGTTTT-3'
Protein context (NP_004757.1, residues 434-454): YGGFLLGVRS[Val444Ile]NGLAFYDWDN

ClinVar aggregate classification (germline): Uncertain significance (1 of 4 stars; one submission).

Submission:

CeGaT Center for Human Genetics Tuebingen
Classification: Uncertain significance. Last evaluated: 2025-12-01. Review status: criteria provided, single submitter. Criteria: CeGaT Center For Human Genetics Tuebingen Variant Classification Criteria Version 2. Collection method: clinical testing. Allele origin: germline. Affected: yes. Observed: 1 variant allele.
Comment: COPB2: PM2